The following is an entry in ClinVar:

ClinVar aggregate classification (germline): Uncertain significance (1 of 4 stars; one submission).

Conditions:
Familial thoracic aortic aneurysm and aortic dissection (TAAD). Also called: Thoracic aortic aneurysms and dissections. Identifiers: Orphanet 91387, MedGen C4707243, MONDO:0019625.

Submission:

Labcorp Genetics (formerly Invitae), Labcorp
Classification: Uncertain significance for Familial thoracic aortic aneurysm and aortic dissection. Last evaluated: 2019-11-26. Review status: criteria provided, single submitter. Criteria: Invitae Variant Classification Sherloc (09022015). Collection method: clinical testing. Allele origin: germline.
Comment: In summary, the available evidence is currently insufficient to determine the role of this variant in disease. Therefore, it has been classified as a Variant of Uncertain Significance. Nucleotide substitutions within the consensus splice site are a relatively common cause of aberrant splicing (PMID: 17576681, 9536098). Experimental studies and prediction algorithms are not available or were not evaluated, and the effect of this variant on mRNA splicing is currently unknown. Algorithms developed to predict the effect of missense changes on protein structure and function are either unavailable or do not agree on the potential impact of this missense change (SIFT: "Not Available"; PolyPhen-2: "Possibly Damaging"; Align-GVGD: "Not Available"). This variant has been observed in individual(s) with clinical features of SMAD3-related conditions (Invitae). This variant is not present in population databases (ExAC no frequency). This sequence change replaces arginine with lysine at codon 69 of the SMAD3 protein (p.Arg69Lys). The arginine residue is moderately conserved and there is a small physicochemical difference between arginine and lysine. This variant also falls at the last nucleotide of exon 1 of the SMAD3 coding sequence, which is part of the consensus splice site for this exon.

Literature cited by the submitters: PubMed 17576681; PubMed 9536098.

NM_005902.4(SMAD3):c.206G>A (p.Arg69Lys)

Gene: SMAD3 (SMAD family member 3; plus strand). Cytogenetic location: 15q22.33.
Variant type: single nucleotide variant.
Coding change: c.206G>A on transcript NM_005902.4 (MANE Select); coding-DNA position 206, G replaced by A.
Protein change: p.Arg69Lys; replaces arginine 69 with lysine.
Molecular consequence: missense variant.
Genome position (GRCh38, 1-based): chr15:67,066,360, G>A. VCF-style: chr15-67066360-G-A. GRCh37 (hg19) VCF-style: chr15-67358698-G-A.
Other names: short protein forms R69K.
Identifiers: ClinVar variation 837736 (VCV000837736.8), dbSNP rs1959916789, ClinGen allele CA393203125.
Genomic context (GRCh38, chr15:67,066,360, plus strand): 5'-ACGAGCTGGAGAAGGCCATCACCACGCAGAACGTCAACACCAAGTGCATCACCATCCCCA[G>A]GTGGGGGCCCGCCCGGGGGGGACCCGGGGTCACGCCGGCCCAGCCCCCTGGCACTGCGGG-3'
Protein context (NP_005893.1, residues 59-79): NVNTKCITIP[Arg69Lys]SLDGRLQVSH